The following is an entry in ClinVar:

ClinVar aggregate classification (germline): Likely benign (1 of 4 stars; one submission).

Conditions:
TTN-related disorder. Also called: TTN-related condition; TTN-related disease; TTN-related disorders.

gnomAD v4.1: 3 of 1,613,750 alleles (0.00019%); highest among the groups gnomAD compares: African/African-American, 0.004%; no homozygotes.

Submission:

PreventionGenetics, part of Exact Sciences
Classification: Likely benign for TTN-related condition. Last evaluated: 2026-06-15. Review status: criteria provided, single submitter. Criteria: ACMG Guidelines, 2015. Collection method: clinical testing. Allele origin: germline.
Comment: This variant is classified as likely benign based on ACMG/AMP sequence variant interpretation guidelines (Richards et al. 2015 PMID: 25741868, with internal and published modifications).

NM_001267550.2(TTN):c.95001T>A (p.Thr31667=)

Genes: TTN (titin; minus strand), TTN-AS1 (TTN antisense RNA 1; plus strand). Cytogenetic location: 2q31.2.
Variant type: single nucleotide variant.
Coding change: c.95001T>A on transcript NM_001267550.2 (MANE Select); coding-DNA position 95001, T replaced by A.
Protein change: p.Thr31667=; no amino-acid change (threonine 31667 retained).
Molecular consequence: synonymous variant.
Genome position (GRCh38, 1-based): chr2:178,546,330, A>T on the plus strand (T>A on the coding strand, the complement: TTN is on the minus strand). VCF-style: chr2-178546330-A-T. GRCh37 (hg19) VCF-style: chr2-179411057-A-T.
Other names: c.90078T>A, p.Thr30026= (NM_001256850.1); c.67806T>A, p.Thr22602= (NM_003319.4); c.87297T>A, p.Thr29099= (NM_133378.4); c.68181T>A, p.Thr22727= (NM_133432.3); c.68382T>A, p.Thr22794= (NM_133437.4).
Identifiers: ClinVar variation 4995927 (VCV004995927.1).